The following is an entry in ClinVar:

ClinVar aggregate classification (germline): Uncertain significance. Review status: criteria provided, single submitter (1 of 4 stars). 2 submissions from 2 submitters: Uncertain significance (1). 1 of the submissions does not count toward it. Last evaluated 2023-05-16.

Conditions:
Trichothiodystrophy 8, nonphotosensitive. Identifiers: MedGen C5562057, MONDO:0030517, OMIM 619691.
Charcot-Marie-Tooth disease type 2. Also called: Charcot-Marie-Tooth type 2. Identifiers: Orphanet 64746, MedGen C0270914, MONDO:0018993.

Allele frequency attached by ClinVar (database versions not stated): gnomAD exomes below 0.00001; ExAC 0.00001.
gnomAD v4.1: 5 of 1,613,976 alleles (0.00031%); highest among the groups gnomAD compares: East Asian, 0.0022%; no homozygotes.

Submissions (2):

Labcorp Genetics (formerly Invitae), Labcorp
Classification: Uncertain significance for Charcot-Marie-Tooth disease type 2. Last evaluated: 2023-05-16. Review status: criteria provided, single submitter. Criteria: Invitae Variant Classification Sherloc (09022015). Collection method: clinical testing. Allele origin: germline.
Comment: In summary, the available evidence is currently insufficient to determine the role of this variant in disease. Therefore, it has been classified as a Variant of Uncertain Significance. Advanced modeling of protein sequence and biophysical properties (such as structural, functional, and spatial information, amino acid conservation, physicochemical variation, residue mobility, and thermodynamic stability) performed at Invitae indicates that this missense variant is not expected to disrupt AARS protein function. ClinVar contains an entry for this variant (Variation ID: 654144). This missense change has been observed in individual(s) with trichothiodystrophy (PMID: 33909043). This variant is present in population databases (rs769778018, gnomAD 0.0009%). This sequence change replaces isoleucine, which is neutral and non-polar, with threonine, which is neutral and polar, at codon 699 of the AARS protein (p.Ile699Thr).

OMIM
Classification: Pathogenic for TRICHOTHIODYSTROPHY 8, NONPHOTOSENSITIVE. Last evaluated: 2022-01-05. Review status: no assertion criteria provided. Collection method: literature only. Allele origin: germline. Not counted in ClinVar's aggregate classification.

Literature cited by the submitters: PubMed 33909043 (cited by Labcorp Genetics (formerly Invitae), Labcorp and OMIM).

NM_001605.3(AARS1):c.2096T>C (p.Ile699Thr)

Gene: AARS1 (alanyl-tRNA synthetase 1; minus strand). Cytogenetic location: 16q22.1.
Variant type: single nucleotide variant.
Coding change: c.2096T>C on transcript NM_001605.3 (MANE Select); coding-DNA position 2096, T replaced by C.
Protein change: p.Ile699Thr; replaces isoleucine 699 with threonine.
Molecular consequence: missense variant.
Genome position (GRCh38, 1-based): chr16:70,258,114, A>G on the plus strand (T>C on the coding strand, the complement: AARS1 is on the minus strand). VCF-style: chr16-70258114-A-G. GRCh37 (hg19) VCF-style: chr16-70292017-A-G.
Other names: short protein forms I699T.
Identifiers: ClinVar variation 654144 (VCV000654144.9), dbSNP rs769778018, ClinGen allele CA8140566.